The following is an entry in ClinVar:

ClinVar aggregate classification (germline): Likely pathogenic. Review status: criteria provided, multiple submitters, no conflicts (2 of 4 stars). 2 submissions from 2 submitters: Likely pathogenic (2). Last evaluated 2024-04-29.

Conditions:
Microcephalic osteodysplastic primordial dwarfism type II (MOPD2). Also called: Microcephalic osteodysplastic primordial dwarfism with tooth abnormalities; OSTEODYSPLASTIC PRIMORDIAL DWARFISM, TYPE II; MOPD II. Identifiers: Orphanet 2637, MedGen C0432246, MONDO:0008872, OMIM 210720.

Allele frequency attached by ClinVar (database versions not stated): gnomAD 0.00001.

Submissions (2):

Fulgent Genetics
Classification: Likely pathogenic for Microcephalic osteodysplastic primordial dwarfism type II. Last evaluated: 2024-04-29. Review status: criteria provided, single submitter. Criteria: ACMG Guidelines, 2015. Collection method: clinical testing. Allele origin: germline.

Labcorp Genetics (formerly Invitae), Labcorp
Classification: Likely pathogenic. Last evaluated: 2023-01-07. Review status: criteria provided, single submitter. Criteria: Invitae Variant Classification Sherloc (09022015). Collection method: clinical testing. Allele origin: germline.
Comment: In summary, the currently available evidence indicates that the variant is pathogenic, but additional data are needed to prove that conclusively. Therefore, this variant has been classified as Likely Pathogenic. Algorithms developed to predict the effect of sequence changes on RNA splicing suggest that this variant may disrupt the consensus splice site. This variant has not been reported in the literature in individuals affected with PCNT-related conditions. This variant is present in population databases (no rsID available, gnomAD 0.007%). This sequence change affects an acceptor splice site in intron 43 of the PCNT gene. It is expected to disrupt RNA splicing. Variants that disrupt the donor or acceptor splice site typically lead to a loss of protein function (PMID: 16199547), and loss-of-function variants in PCNT are known to be pathogenic (PMID: 18174396, 22821869).

Literature cited by the submitters: PubMed 16199547 (cited by Labcorp Genetics (formerly Invitae), Labcorp); PubMed 18174396 (cited by Labcorp Genetics (formerly Invitae), Labcorp); PubMed 22821869 (cited by Labcorp Genetics (formerly Invitae), Labcorp).

NM_006031.6(PCNT):c.9624-2A>G

Gene: PCNT (pericentrin; plus strand). Cytogenetic location: 21q22.3.
Variant type: single nucleotide variant.
Coding change: c.9624-2A>G on transcript NM_006031.6 (MANE Select); the canonical splice acceptor site of the intron before coding-DNA position 9624, A replaced by G.
Molecular consequence: splice acceptor variant.
Genome position (GRCh38, 1-based): chr21:46,442,495, A>G. VCF-style: chr21-46442495-A-G. GRCh37 (hg19) VCF-style: chr21-47862408-A-G.
Other names: c.9033-2A>G (NM_001315529.2).
Identifiers: ClinVar variation 2782123 (VCV002782123.4), dbSNP rs1431884649, ClinGen allele CA410578822.
Genomic context (GRCh38, chr21:46,442,495, plus strand): 5'-ATTGCTCTTTCCCTTCCTGTCTTGCCGTACTTTTAAGTGTGTCTTGTCTCTTTTTTTTGT[A>G]GATTACGTTTTTTGGTTAAGAAATGGCAAGAAGTAGATCGGAAAGGAGCTCTGGCACAAG-3'